The following is an entry in ClinVar:

NM_000313.4(PROS1):c.728-8dup

Gene: PROS1 (protein S; minus strand). Cytogenetic location: 3q11.1.
Variant type: Duplication.
Coding change: c.728-8dup on transcript NM_000313.4 (MANE Select); 8 bases into the intron before coding-DNA position 728, one base duplicated (T; older notation c.728-8dupT).
Molecular consequence: intron variant.
Genome position (GRCh38, 1-based): chr3:93,898,577, A duplicated on the plus strand (T on the coding strand, the reverse complement: PROS1 is on the minus strand); the first of 8 consecutive A bases (chr3:93,898,577-93,898,584); duplicating any one gives the same sequence. VCF-style (leftmost placement, unchanged base first): chr3-93898576-T-TA. GRCh37 (hg19) VCF-style: chr3-93617420-T-TA.
Other names: c.824-8dup (NM_001314077.2).
Identifiers: ClinVar variation 697260 (VCV000697260.9), dbSNP rs751417718, ClinGen allele CA2503370.

ClinVar aggregate classification (germline): Likely benign. Review status: criteria provided, single submitter (1 of 4 stars). 2 submissions from 2 submitters: Likely benign (1). 1 of the submissions does not count toward it. Last evaluated 2025-12-22.

Conditions:
Thrombophilia due to protein S deficiency, autosomal recessive (THPH6). Identifiers: Orphanet 743, MedGen C3281092, MONDO:0013791, OMIM 614514. Disease mechanism: loss of function.
PROS1-related disorder. Also called: PROS1-related condition.

Submissions (2):

Labcorp Genetics (formerly Invitae), Labcorp
Classification: Likely benign for Thrombophilia due to protein S deficiency, autosomal recessive. Last evaluated: 2025-12-22. Review status: criteria provided, single submitter. Criteria: Invitae Variant Classification Sherloc (09022015). Collection method: clinical testing. Allele origin: germline.

PreventionGenetics, part of Exact Sciences
Classification: Likely benign for PROS1-related condition. Last evaluated: 2019-03-18. Review status: no assertion criteria provided. Collection method: clinical testing. Allele origin: germline. Not counted in ClinVar's aggregate classification.
Comment: This variant is classified as likely benign based on ACMG/AMP sequence variant interpretation guidelines (Richards et al. 2015 PMID: 25741868, with internal and published modifications).